The following is an entry in ClinVar:

ClinVar aggregate classification (germline): Uncertain significance (1 of 4 stars; one submission).

Submission:

GeneDx
Classification: Uncertain significance. Last evaluated: 2023-01-06. Review status: criteria provided, single submitter. Criteria: GeneDx Variant Classification Process June 2021. Collection method: clinical testing. Allele origin: germline. Affected: yes.
Comment: Not observed at significant frequency in large population cohorts (gnomAD); In silico analysis supports that this missense variant has a deleterious effect on protein structure/function; Has not been previously published as pathogenic or benign to our knowledge

NM_001375524.1(TRRAP):c.5557C>G (p.His1853Asp)

Gene: TRRAP (transformation/transcription domain associated protein; plus strand). Cytogenetic location: 7q22.1.
Variant type: single nucleotide variant.
Coding change: c.5557C>G on transcript NM_001375524.1 (MANE Select); coding-DNA position 5557, C replaced by G.
Protein change: p.His1853Asp; replaces histidine 1853 with aspartic acid.
Molecular consequence: missense variant.
Genome position (GRCh38, 1-based): chr7:98,953,260, C>G. VCF-style: chr7-98953260-C-G. GRCh37 (hg19) VCF-style: chr7-98550883-C-G.
Other names: c.5536C>G, p.His1846Asp (NM_001244580.2); c.5482C>G, p.His1828Asp (NM_003496.4); short protein forms H1828D, H1846D, H1853D.
Identifiers: ClinVar variation 2571895 (VCV002571895.1), dbSNP rs2484867563, ClinGen allele CA368320337.